The following is an entry in ClinVar:

NC_000016.9:g.(?_21623965)_(21730823_21968737)del

Genes: METTL9 (methyltransferase 9, His-X-His N1(pi)-histidine), NPIPB4 (nuclear pore complex interacting protein family member B4), IGSF6 (immunoglobulin superfamily member 6), UQCRC2 (ubiquinol-cytochrome c reductase core protein 2), OTOA (otoancorin). Cytogenetic location: 16p12.2.
Variant type: Deletion.
Identifiers: ClinVar variation 1175706 (VCV001175706.2).

ClinVar aggregate classification (germline): Pathogenic (1 of 4 stars; one submission).

Conditions:
Autosomal recessive nonsyndromic hearing loss 22. Identifiers: Orphanet 90636, MedGen C1846896, MONDO:0011762, OMIM 607039.

Submission:

Center of Genomic medicine, Geneva, University Hospital of Geneva
Classification: Pathogenic for Autosomal recessive nonsyndromic hearing loss 22. Last evaluated: 2020-01-16. Review status: criteria provided, single submitter. Criteria: ACMG Guidelines, 2015. Collection method: clinical testing. Allele origin: maternal. Affected: yes. Observed: 1 variant allele.

Literature cited by the submitters: PubMed 33492714.